The following is an entry in ClinVar:

NM_015378.4(VPS13D):c.11147G>A (p.Arg3716Gln)

Gene: VPS13D (vacuolar protein sorting 13 homolog D; plus strand). Cytogenetic location: 1p36.22.
Variant type: single nucleotide variant.
Coding change: c.11147G>A on transcript NM_015378.4 (MANE Select); coding-DNA position 11147, G replaced by A.
Protein change: p.Arg3716Gln; replaces arginine 3716 with glutamine.
Molecular consequence: missense variant.
Genome position (GRCh38, 1-based): chr1:12,379,553, G>A. VCF-style: chr1-12379553-G-A. GRCh37 (hg19) VCF-style: chr1-12439607-G-A.
Other names: c.11072G>A, p.Arg3691Gln (NM_018156.4); c.11147G>A (NM_015378.2); short protein forms R3691Q, R3716Q.
Identifiers: ClinVar variation 2958990 (VCV002958990.3), dbSNP rs779405208, ClinGen allele CA603874.

ClinVar aggregate classification (germline): Uncertain significance. Review status: criteria provided, multiple submitters, no conflicts (2 of 4 stars). 2 submissions from 2 submitters: Uncertain significance (2). Last evaluated 2025-10-27.

Conditions:
Inborn genetic diseases. Identifiers: MedGen C0950123, MeSH D030342.

Allele frequency attached by ClinVar (database versions not stated): gnomAD exomes 0.00003; TOPMed 0.00003; ExAC 0.00002; gnomAD 0.00003.
gnomAD v4.1: 46 of 1,613,430 alleles (0.0029%); highest among the groups gnomAD compares: East Asian, 0.013%; 1 homozygote.

Submissions (2):

Labcorp Genetics (formerly Invitae), Labcorp
Classification: Uncertain significance. Last evaluated: 2025-10-27. Review status: criteria provided, single submitter. Criteria: Invitae Variant Classification Sherloc (09022015). Collection method: clinical testing. Allele origin: germline.
Comment: This sequence change replaces arginine, which is basic and polar, with glutamine, which is neutral and polar, at codon 3716 of the VPS13D protein (p.Arg3716Gln). This variant is present in population databases (rs779405208, gnomAD 0.004%). This variant has not been reported in the literature in individuals affected with VPS13D-related conditions. ClinVar contains an entry for this variant (Variation ID: 2958990). Invitae Evidence Modeling of protein sequence and biophysical properties (such as structural, functional, and spatial information, amino acid conservation, physicochemical variation, residue mobility, and thermodynamic stability) indicates that this missense variant is not expected to disrupt VPS13D protein function with a negative predictive value of 80%. In summary, the available evidence is currently insufficient to determine the role of this variant in disease. Therefore, it has been classified as a Variant of Uncertain Significance.

Ambry Genetics
Classification: Uncertain significance for Inborn genetic diseases. Last evaluated: 2025-06-24. Review status: criteria provided, single submitter. Criteria: Ambry Variant Classification Scheme 2023. Collection method: clinical testing. Allele origin: germline.